The following is an entry in ClinVar:

NM_007294.4(BRCA1):c.5055T>G (p.Thr1685=)

Gene: BRCA1 (BRCA1 DNA repair associated; minus strand). Cytogenetic location: 17q21.31.
Variant type: single nucleotide variant.
Coding change: c.5055T>G on transcript NM_007294.4 (MANE Select); coding-DNA position 5055, T replaced by G.
Protein change: p.Thr1685=; no amino-acid change (threonine 1685 retained).
Molecular consequence: synonymous variant. On other transcripts: intron variant (1).
Genome position (GRCh38, 1-based): chr17:43,067,627, A>C on the plus strand (T>G on the coding strand, the complement: BRCA1 is on the minus strand). VCF-style: chr17-43067627-A-C. GRCh37 (hg19) VCF-style: chr17-41219644-A-C.
Other names: c.4842T>G, p.Thr1614= (NM_001407571.1, NM_001407894.1, NM_001407895.1 and 12 more transcripts); c.5121T>G, p.Thr1707= (NM_001407581.1, NM_001407582.1); c.5118T>G, p.Thr1706= (NM_001407583.1, NM_001407585.1, NM_001407587.1 and 1 more transcripts); c.5115T>G, p.Thr1705= (NM_001407590.1, NM_001407591.1); c.5055T>G, p.Thr1685= (NM_001407593.1, NM_001407594.1, NM_001407596.1 and 8 more transcripts); c.5052T>G, p.Thr1684= (NM_001407610.1, NM_001407611.1, NM_001407612.1 and 17 more transcripts); c.5049T>G, p.Thr1683= (NM_001407627.1, NM_001407628.1, NM_001407629.1 and 14 more transcripts); c.5046T>G, p.Thr1682= (NM_001407644.1, NM_001407645.1); and 71 more.
Identifiers: ClinVar variation 415549 (VCV000415549.12), dbSNP rs1060504555, ClinGen allele CA16615657.

ClinVar aggregate classification (germline): Likely benign (1 of 4 stars; one submission).

Conditions:
Hereditary breast ovarian cancer syndrome. Also called: Hereditary breast and ovarian cancer syndrome; Breast and ovarian cancer; Hereditary breast and ovarian cancer syndrome (HBOC); Hereditary breast and/or ovarian cancer syndrome; BRCA1- and BRCA2-Associated Hereditary Breast and Ovarian Cancer; Hereditary breast and ovarian cancer. Identifiers: Orphanet 145, MedGen C0677776, MeSH D061325, MONDO:0003582. Disease mechanism: loss of function.

Submissions (2):

Labcorp Genetics (formerly Invitae), Labcorp
Classification: Likely benign for Hereditary breast ovarian cancer syndrome. Last evaluated: 2016-08-01. Review status: criteria provided, single submitter. Criteria: Invitae Variant Classification Sherloc (09022015). Collection method: clinical testing. Allele origin: germline.

Brotman Baty Institute, University of Washington
No classification provided (evidence only). Condition: Breast-ovarian cancer, familial 1. Review status: no classification provided. Collection method: in vitro. Allele origin: not applicable. Functional consequence: functionally_normal. Not counted in ClinVar's aggregate classification.
ClinVar note: "not provided" was previously submitted as the classification for the variant. However, the classification appeared to be based only on an observation of functional data so it was converted to no classification on 2025-07-30.